The following is an entry in ClinVar:

ClinVar aggregate classification (germline): Uncertain significance (1 of 4 stars; one submission).

Conditions:
Galactosylceramide beta-galactosidase deficiency. Also called: Krabbe Disease; Leukodystrophy, Globoid Cell; GALACTOCEREBROSIDASE DEFICIENCY; GALC DEFICIENCY; GLOBOID CELL LEUKOENCEPHALOPATHY. Identifiers: Orphanet 487, MedGen C0023521, MONDO:0009499, OMIM 245200.

Allele frequency attached by ClinVar (database versions not stated): TOPMed 0.00001.

Submission:

Labcorp Genetics (formerly Invitae), Labcorp
Classification: Uncertain significance for Galactosylceramide beta-galactosidase deficiency. Last evaluated: 2021-08-14. Review status: criteria provided, single submitter. Criteria: Invitae Variant Classification Sherloc (09022015). Collection method: clinical testing. Allele origin: germline.
Comment: This sequence change replaces serine with asparagine at codon 457 of the GALC protein (p.Ser457Asn). The serine residue is weakly conserved and there is a small physicochemical difference between serine and asparagine. This variant is not present in population databases (ExAC no frequency). This variant has not been reported in the literature in individuals affected with GALC-related conditions. Advanced modeling of protein sequence and biophysical properties (such as structural, functional, and spatial information, amino acid conservation, physicochemical variation, residue mobility, and thermodynamic stability) performed at Invitae indicates that this missense variant is not expected to disrupt GALC protein function. In summary, the available evidence is currently insufficient to determine the role of this variant in disease. Therefore, it has been classified as a Variant of Uncertain Significance.

NM_000153.4(GALC):c.1370G>A (p.Ser457Asn)

Gene: GALC (galactosylceramidase; minus strand). Cytogenetic location: 14q31.3.
Variant type: single nucleotide variant.
Coding change: c.1370G>A on transcript NM_000153.4 (MANE Select); coding-DNA position 1370, G replaced by A.
Protein change: p.Ser457Asn; replaces serine 457 with asparagine.
Molecular consequence: missense variant.
Genome position (GRCh38, 1-based): chr14:87,947,847, C>T on the plus strand (G>A on the coding strand, the complement: GALC is on the minus strand). VCF-style: chr14-87947847-C-T. GRCh37 (hg19) VCF-style: chr14-88414191-C-T.
Other names: c.1301G>A, p.Ser434Asn (NM_001201401.2); c.1292G>A, p.Ser431Asn (NM_001201402.2); short protein forms S431N, S434N, S457N.
Identifiers: ClinVar variation 1498109 (VCV001498109.5), dbSNP rs1195834672, ClinGen allele CA390746617.